The following is an entry in ClinVar:

ClinVar aggregate classification (germline): Likely benign. Review status: criteria provided, multiple submitters, no conflicts (2 of 4 stars). 6 submissions from 6 submitters: Likely benign (4). 2 of the submissions do not count toward it. Last evaluated 2026-09-01.

Conditions:
MRPS16-related disorder. Also called: MRPS16-related condition.

Allele frequency attached by ClinVar (database versions not stated): 1000 Genomes Project 0.00080; 1000 Genomes Project 30x 0.00094; TOPMed 0.00301; gnomAD 0.00309; ExAC 0.00327; ESP Exome Variant Server 0.00384.
gnomAD v4.1: 6,799 of 1,614,068 alleles (0.42%); highest among the groups gnomAD compares: Non-Finnish European, 0.51%; 22 homozygotes.

Submissions (6):

CeGaT Center for Human Genetics Tuebingen
Classification: Likely benign. Last evaluated: 2026-09-01. Review status: criteria provided, single submitter. Criteria: CeGaT Center For Human Genetics Tuebingen Variant Classification Criteria Version 2. Collection method: clinical testing. Allele origin: germline. Affected: yes. Observed: 13 variant alleles.
Comment: DNAJC9-AS1: BS2; MRPS16: BP4, BS2

Labcorp Genetics (formerly Invitae), Labcorp
Classification: Likely benign. Last evaluated: 2026-01-15. Review status: criteria provided, single submitter. Criteria: Invitae Variant Classification Sherloc (09022015). Collection method: clinical testing. Allele origin: germline.

Blueprint Genetics
Classification: Likely benign. Last evaluated: 2024-11-24. Review status: criteria provided, single submitter. Criteria: ACMG Guidelines, 2015. Collection method: clinical testing. Allele origin: germline.

GeneDx
Classification: Likely benign. Last evaluated: 2021-02-21. Review status: criteria provided, single submitter. Criteria: GeneDx Variant Classification Process June 2021. Collection method: clinical testing. Allele origin: germline. Affected: yes.

PreventionGenetics, part of Exact Sciences
Classification: Likely benign for MRPS16-related condition. Last evaluated: 2019-11-11. Review status: no assertion criteria provided. Collection method: clinical testing. Allele origin: germline. Not counted in ClinVar's aggregate classification.
Comment: This variant is classified as likely benign based on ACMG/AMP sequence variant interpretation guidelines (Richards et al. 2015 PMID: 25741868, with internal and published modifications).

Mayo Clinic Laboratories, Mayo Clinic
Classification: Likely benign. Last evaluated: 2016-02-29. Review status: no assertion criteria provided. Collection method: clinical testing. Allele origin: unknown. Not counted in ClinVar's aggregate classification.

NM_016065.4(MRPS16):c.389C>G (p.Thr130Arg)

Genes: DNAJC9-AS1 (DNAJC9 and MRPS16 antisense RNA 1; plus strand), MRPS16 (mitochondrial ribosomal protein S16; minus strand). Cytogenetic location: 10q22.2.
Variant type: single nucleotide variant.
Coding change: c.389C>G on transcript NM_016065.4 (MANE Select); coding-DNA position 389, C replaced by G.
Protein change: p.Thr130Arg; replaces threonine 130 with arginine.
Molecular consequence: missense variant.
Genome position (GRCh38, 1-based): chr10:73,250,877, G>C on the plus strand (C>G on the coding strand, the complement: MRPS16 is on the minus strand). VCF-style: chr10-73250877-G-C. GRCh37 (hg19) VCF-style: chr10-75010635-G-C.
Other names: short protein forms T130R.
Identifiers: ClinVar variation 214673 (VCV000214673.60), dbSNP rs117510230, ClinGen allele CA324038.